The following is an entry in ClinVar:

NM_005060.4(RORC):c.422C>T (p.Ala141Val)

Gene: RORC (RAR related orphan receptor C; minus strand). Cytogenetic location: 1q21.3.
Variant type: single nucleotide variant.
Coding change: c.422C>T on transcript NM_005060.4 (MANE Select); coding-DNA position 422, C replaced by T.
Protein change: p.Ala141Val; replaces alanine 141 with valine.
Molecular consequence: missense variant.
Genome position (GRCh38, 1-based): chr1:151,815,302, G>A on the plus strand (C>T on the coding strand, the complement: RORC is on the minus strand). VCF-style: chr1-151815302-G-A. GRCh37 (hg19) VCF-style: chr1-151787778-G-A.
Other names: c.359C>T, p.Ala120Val (NM_001001523.2, LRG_1322t2); c.422C>T, p.Ala141Val (LRG_1322t1); short protein forms A141V, A120V.
Identifiers: ClinVar variation 91961 (VCV000091961.10), dbSNP rs201494136, ClinGen allele CA232248.
Genomic context (GRCh38, chr1:151,815,302, plus strand): 5'-CCCAGGGGCAGCTGCCCGTCTGGGAGCCCCAAGGTGTAGGTGAGGGTATCTGCTCCTTGG[G>A]CCCCTGCTGGAGGGGTCTTGACCACTGGTTCCTGTTGCTGCTGTTGCCGCTGCTGCAGCT-3'
Protein context (NP_005051.2, residues 131-151): EPVVKTPPAG[Ala141Val]QGADTLTYTL

ClinVar aggregate classification (germline): Uncertain significance. Review status: criteria provided, single submitter (1 of 4 stars). 2 submissions from 2 submitters: Uncertain significance (1). 1 of the submissions does not count toward it. Last evaluated 2025-06-09.

Conditions:
Autosomal recessive mendelian susceptibility to mycobacterial diseases due to complete RORgamma receptor deficiency. Also called: Immunodeficiency 42. Identifiers: Orphanet 477857, MedGen C5567647, MONDO:0014710, OMIM 616622.

Allele frequency attached by ClinVar (database versions not stated): TOPMed 0.00002; gnomAD exomes 0.00005 and 0.00006; ExAC 0.00008; gnomAD 0.00003 and 0.00004.
gnomAD v4.1: 72 of 1,608,788 alleles (0.0045%); highest among the groups gnomAD compares: Non-Finnish European, 0.005%; no homozygotes.

Submissions (2):

Labcorp Genetics (formerly Invitae), Labcorp
Classification: Uncertain significance for Autosomal recessive mendelian susceptibility to mycobacterial diseases due to complete RORgamma receptor deficiency. Last evaluated: 2025-06-09. Review status: criteria provided, single submitter. Criteria: Invitae Variant Classification Sherloc (09022015). Collection method: clinical testing. Allele origin: germline.
Comment: This sequence change replaces alanine, which is neutral and non-polar, with valine, which is neutral and non-polar, at codon 141 of the RORC protein (p.Ala141Val). This variant is present in population databases (rs201494136, gnomAD 0.02%). This variant has not been reported in the literature in individuals affected with RORC-related conditions. ClinVar contains an entry for this variant (Variation ID: 91961). An algorithm developed to predict the effect of missense changes on protein structure and function (PolyPhen-2) suggests that this variant is likely to be tolerated. In summary, the available evidence is currently insufficient to determine the role of this variant in disease. Therefore, it has been classified as a Variant of Uncertain Significance.

Richard Lifton Laboratory, Yale University School of Medicine
Classification: Uncertain significance. Review status: no assertion criteria provided. Collection method: not provided. Allele origin: somatic. Not counted in ClinVar's aggregate classification.
Comment: RORC
ClinVar note: Converted during submission from unknown to Uncertain significance.